The following is an entry in ClinVar:

NM_007078.3(LDB3):c.1789T>C (p.Tyr597His)

Gene: LDB3 (LIM domain binding 3; plus strand). Cytogenetic location: 10q23.2.
Variant type: single nucleotide variant.
Coding change: c.1789T>C on transcript NM_007078.3 (MANE Select); coding-DNA position 1789, T replaced by C.
Protein change: p.Tyr597His; replaces tyrosine 597 with histidine.
Molecular consequence: missense variant.
Genome position (GRCh38, 1-based): chr10:86,718,076, T>C. VCF-style: chr10-86718076-T-C. GRCh37 (hg19) VCF-style: chr10-88477833-T-C.
Other names: c.1459T>C (NM_001080114.1); c.1459T>C, p.Tyr487His (NM_001080114.2); c.1804T>C, p.Tyr602His (NM_001171610.2); c.1600T>C, p.Tyr534His (NM_001368064.1, NM_001368065.1); c.1648T>C, p.Tyr550His (NM_001368066.1); short protein forms Y597H, Y487H, Y602H, Y550H, Y534H.
Identifiers: ClinVar variation 163852 (VCV000163852.26), dbSNP rs727503131, ClinGen allele CA176561.
Genomic context (GRCh38, chr10:86,718,076, plus strand): 5'-TGTGCCTACTGCAAGACTTCCCTGGCAGATGTGTGCTTTGTGGAAGAGCAGAACAACGTT[T>C]ACTGTGAGCGATGTTATGAGCAATTCTTTGCCCCGCTGTGTGCCAAGTGCAACACCAAAA-3'
Protein context (NP_009009.1, residues 587-607): VCFVEEQNNV[Tyr597His]CERCYEQFFA

ClinVar aggregate classification (germline): Uncertain significance. Review status: criteria provided, multiple submitters, no conflicts (2 of 4 stars). 10 submissions from 10 submitters: Uncertain significance (10). Last evaluated 2025-10-15.

Conditions:
Myofibrillar myopathy 4. Also called: Zaspopathy (type). Identifiers: Orphanet 98912, MedGen C4721886, MONDO:0012277, OMIM 609452.
LDB3-related disorder. Also called: LDB3-related condition.
Dilated cardiomyopathy 1C (CMD1C). Also called: Cardiomyopathy, dilated, 1C, with or without LVNC; CARDIOMYOPATHY, DILATED, 1C, WITH OR WITHOUT LEFT VENTRICULAR NONCOMPACTION. Identifiers: Orphanet 154, Orphanet 54260, MedGen C1832244, MONDO:0011094, OMIM 601493.
Cardiovascular phenotype. Identifiers: MedGen CN230736.
Cardiomyopathy (CMYO). Also called: Cardiomyopathies. Identifiers: Orphanet 167848, MedGen C0878544, MONDO:0004994, HP:0001638. Inheritance: Various modes of inheritance.

Allele frequency attached by ClinVar (database versions not stated): TOPMed 0.00001.
gnomAD v4.1: 9 of 1,614,172 alleles (0.00056%); highest among the groups gnomAD compares: East Asian, 0.0045%; no homozygotes.

Submissions (10):

Labcorp Genetics (formerly Invitae), Labcorp
Classification: Uncertain significance for Myofibrillar myopathy 4. Last evaluated: 2025-10-15. Review status: criteria provided, single submitter. Criteria: Invitae Variant Classification Sherloc (09022015). Collection method: clinical testing. Allele origin: germline.
Comment: The LDB3 gene has multiple clinically relevant transcripts. This variant occurs in alternate transcript NM_007078.3, and corresponds to NM_001080116.1:c.*18702T>C in the primary transcript. This sequence change replaces tyrosine, which is neutral and polar, with histidine, which is basic and polar, at codon 597 of the LDB3 protein (p.Tyr597His). This variant is present in population databases (rs727503131, gnomAD 0.01%). This variant has not been reported in the literature in individuals affected with LDB3-related conditions. ClinVar contains an entry for this variant (Variation ID: 163852). Experimental studies and prediction algorithms are not available or were not evaluated, and the functional significance of this variant is currently unknown. In summary, the available evidence is currently insufficient to determine the role of this variant in disease. Therefore, it has been classified as a Variant of Uncertain Significance.

Ambry Genetics
Classification: Uncertain significance for Cardiovascular phenotype. Last evaluated: 2025-05-18. Review status: criteria provided, single submitter. Criteria: Ambry Variant Classification Scheme 2023. Collection method: clinical testing. Allele origin: germline.

PreventionGenetics, part of Exact Sciences
Classification: Uncertain significance for LDB3-related condition. Last evaluated: 2024-11-26. Review status: criteria provided, single submitter. Criteria: ACMG Guidelines, 2015. Collection method: clinical testing. Allele origin: germline.
Comment: The LDB3 c.1459T>C variant is predicted to result in the amino acid substitution p.Tyr487His. To our knowledge, this variant has not been reported in the literature. This variant is reported in 0.011% of alleles in individuals of East Asian descent in gnomAD . A different nucleotide substitution affecting the same amino acid (p.Tyr487Asn) has been reported in an individual with unspecified cardiomyopathy(reported as p.Tyr597Asn in Online Supplementary File 2, van Lint et al. 2019. PubMed ID: 30847666). At this time, the clinical significance of this variant is uncertain due to the absence of conclusive functional and genetic evidence.

Women's Health and Genetics/Laboratory Corporation of America, LabCorp
Classification: Uncertain significance. Last evaluated: 2024-02-12. Review status: criteria provided, single submitter. Criteria: LabCorp Variant Classification Summary - May 2015. Collection method: clinical testing. Allele origin: germline.

Fulgent Genetics
Classification: Uncertain significance for Dilated cardiomyopathy 1C; Myofibrillar myopathy 4. Last evaluated: 2021-09-01. Review status: criteria provided, single submitter. Criteria: ACMG Guidelines, 2015. Collection method: clinical testing. Allele origin: unknown.

AiLife Diagnostics
Classification: Uncertain significance. Last evaluated: 2021-07-16. Review status: criteria provided, single submitter. Criteria: ACMG Guidelines, 2015. Collection method: clinical testing. Allele origin: germline. Affected: yes. Observed: 1 variant allele.

GeneDx
Classification: Uncertain significance. Last evaluated: 2021-01-14. Review status: criteria provided, single submitter. Criteria: GeneDx Variant Classification Process June 2021. Collection method: clinical testing. Allele origin: germline. Affected: yes.
Comment: Has not been previously published as pathogenic or benign to our knowledge; Not observed at a significant frequency in large population cohorts (Lek et al., 2016); In silico analysis, which includes protein predictors and evolutionary conservation, supports a deleterious effect; Reported in ClinVar as a variant of uncertain significance (ClinVar Variant ID# 163852; Landrum et al., 2016)

Mayo Clinic Laboratories, Mayo Clinic
Classification: Uncertain significance. Last evaluated: 2020-08-05. Review status: criteria provided, single submitter. Criteria: ACMG Guidelines, 2015. Collection method: clinical testing. Allele origin: germline. Observed: 1 variant allele.

CHEO Genetics Diagnostic Laboratory, Children's Hospital of Eastern Ontario
Classification: Uncertain significance for Cardiomyopathy. Last evaluated: 2018-01-31. Review status: criteria provided, single submitter. Criteria: ACMG Guidelines, 2015. Collection method: clinical testing. Allele origin: germline.

Laboratory for Molecular Medicine, Mass General Brigham Personalized Medicine
Classification: Uncertain significance. Last evaluated: 2013-05-24. Review status: criteria provided, single submitter. Criteria: LMM Criteria. Collection method: clinical testing. Allele origin: germline. Observed: 1 variant allele.
Comment: The Tyr597His variant in LDB3 has not been reported in individuals with cardiomy opathy or in large population studies. Computational analyses (biochemical amino acid properties, conservation, AlignGVGD, PolyPhen2, and SIFT) suggest that the Tyr597His variant may impact the protein, though this information is not predic tive enough to determine pathogenicity. Additional information is needed to full y assess the clinical significance of the Tyr597His variant.